The following is an entry in ClinVar:

NM_002860.4(ALDH18A1):c.1789G>A (p.Val597Ile)

Gene: ALDH18A1 (aldehyde dehydrogenase 18 family member A1; minus strand). Cytogenetic location: 10q24.1.
Variant type: single nucleotide variant.
Coding change: c.1789G>A on transcript NM_002860.4 (MANE Select); coding-DNA position 1789, G replaced by A.
Protein change: p.Val597Ile; replaces valine 597 with isoleucine.
Molecular consequence: missense variant.
Genome position (GRCh38, 1-based): chr10:95,613,978, C>T on the plus strand (G>A on the coding strand, the complement: ALDH18A1 is on the minus strand). VCF-style: chr10-95613978-C-T. GRCh37 (hg19) VCF-style: chr10-97373735-C-T.
Other names: c.1783G>A, p.Val595Ile (NM_001017423.2, NM_001323415.2); c.1456G>A, p.Val486Ile (NM_001323412.2, NM_001323416.2); c.1789G>A, p.Val597Ile (NM_001323413.2, NM_001323414.2); c.1684G>A, p.Val562Ile (NM_001323417.2); c.1450G>A, p.Val484Ile (NM_001323418.2); c.1153G>A, p.Val385Ile (NM_001323419.2); short protein forms V595I, V597I, V385I, V484I, V486I, V562I.
Identifiers: ClinVar variation 4786833 (VCV004786833.1).

ClinVar aggregate classification (germline): Uncertain significance (1 of 4 stars; one submission).

Conditions:
Cutis laxa, autosomal dominant 3 (ADCL3). Identifiers: Orphanet 90348, MedGen C4225268, MONDO:0014706, OMIM 616603.
Autosomal dominant spastic paraplegia type 9. Identifiers: MedGen C1832669, MONDO:0015091.
de Barsy syndrome. Also called: Cutis laxa-corneal clouding-oligophrenia syndrome. Identifiers: Orphanet 2962, MedGen C0268354, MONDO:0017569.

gnomAD v4.1: 4 of 1,614,062 alleles (0.00025%); highest among the groups gnomAD compares: African/African-American, 0.004%; no homozygotes.

Submission:

Labcorp Genetics (formerly Invitae), Labcorp
Classification: Uncertain significance for Autosomal dominant spastic paraplegia type 9; de Barsy syndrome; Cutis laxa, autosomal dominant 3. Last evaluated: 2025-09-22. Review status: criteria provided, single submitter. Criteria: Invitae Variant Classification Sherloc (09022015). Collection method: clinical testing. Allele origin: germline.
Comment: This sequence change replaces valine, which is neutral and non-polar, with isoleucine, which is neutral and non-polar, at codon 597 of the ALDH18A1 protein (p.Val597Ile). This variant is present in population databases (rs372599895, gnomAD 0.007%). This variant has not been reported in the literature in individuals affected with ALDH18A1-related conditions. Invitae Evidence Modeling of protein sequence and biophysical properties (such as structural, functional, and spatial information, amino acid conservation, physicochemical variation, residue mobility, and thermodynamic stability) indicates that this missense variant is not expected to disrupt ALDH18A1 protein function with a negative predictive value of 80%. In summary, the available evidence is currently insufficient to determine the role of this variant in disease. Therefore, it has been classified as a Variant of Uncertain Significance.